The following is an entry in ClinVar:

NM_001365536.1(SCN9A):c.4364T>A (p.Val1455Asp)

Genes: SCN9A (sodium voltage-gated channel alpha subunit 9; minus strand), SCN1A-AS1 (SCN1A and SCN9A antisense RNA 1; plus strand). Cytogenetic location: 2q24.3.
Variant type: single nucleotide variant.
Coding change: c.4364T>A on transcript NM_001365536.1 (MANE Select); coding-DNA position 4364, T replaced by A.
Protein change: p.Val1455Asp; replaces valine 1455 with aspartic acid.
Molecular consequence: missense variant.
Genome position (GRCh38, 1-based): chr2:166,226,601, A>T on the plus strand (T>A on the coding strand, the complement: SCN9A is on the minus strand). VCF-style: chr2-166226601-A-T. GRCh37 (hg19) VCF-style: chr2-167083111-A-T.
Other names: c.4331T>A, p.Val1444Asp (NM_002977.4); short protein forms V1444D, V1455D.
Identifiers: ClinVar variation 1040239 (VCV001040239.9), dbSNP rs201049763, ClinGen allele CA1943892.

ClinVar aggregate classification (germline): Uncertain significance (1 of 4 stars; one submission).

Conditions:
Neuropathy, hereditary sensory and autonomic, type 2A (HSAN2A). Also called: WNK1-Related HSAN2 (HSAN2A); MORVAN DISEASE; NEUROPATHY, CONGENITAL SENSORY; NEUROPATHY, HEREDITARY SENSORY RADICULAR, AUTOSOMAL RECESSIVE; NEUROPATHY, HEREDITARY SENSORY, TYPE IIA; NEUROPATHY, PROGRESSIVE SENSORY, OF CHILDREN. Identifiers: Orphanet 970, MedGen C2752089, MONDO:0024309, OMIM 201300.
Generalized epilepsy with febrile seizures plus, type 7 (GEFSP7). Also called: GEFS+, TYPE 7. Identifiers: Orphanet 36387, MedGen C2751778, MONDO:0013470, OMIM 613863.

Allele frequency attached by ClinVar (database versions not stated): gnomAD 0.00001; gnomAD exomes 0.00001 and 0.00003; ExAC 0.00005.
gnomAD v4.1: 6 of 1,584,720 alleles (0.00038%); highest among the groups gnomAD compares: African/African-American, 0.0027%; no homozygotes.

Submission:

Labcorp Genetics (formerly Invitae), Labcorp
Classification: Uncertain significance for Neuropathy, hereditary sensory and autonomic, type 2A; Generalized epilepsy with febrile seizures plus, type 7. Last evaluated: 2025-09-20. Review status: criteria provided, single submitter. Criteria: Invitae Variant Classification Sherloc (09022015). Collection method: clinical testing. Allele origin: germline.
Comment: This sequence change replaces valine, which is neutral and non-polar, with aspartic acid, which is acidic and polar, at codon 1444 of the SCN9A protein (p.Val1444Asp). This variant is present in population databases (rs201049763, gnomAD 0.03%). This variant has not been reported in the literature in individuals affected with SCN9A-related conditions. ClinVar contains an entry for this variant (Variation ID: 1040239). Invitae Evidence Modeling of protein sequence and biophysical properties (such as structural, functional, and spatial information, amino acid conservation, physicochemical variation, residue mobility, and thermodynamic stability) has been performed for this missense variant. However, the output from this modeling did not meet the statistical confidence thresholds required to predict the impact of this variant on SCN9A protein function. In summary, the available evidence is currently insufficient to determine the role of this variant in disease. Therefore, it has been classified as a Variant of Uncertain Significance.